The following is an entry in ClinVar:

ClinVar aggregate classification (germline): Pathogenic (1 of 4 stars; one submission).

Conditions:
Marfan syndrome (MFS). Also called: MARFAN SYNDROME, TYPE I; Marfan syndrome type 1; Marfan's syndrome; Marfan syndrome, classic; FBN1-Related Marfan Syndrome. Identifiers: Orphanet 284963, Orphanet 558, MedGen C0024796, MONDO:0007947, OMIM 154700.
Familial thoracic aortic aneurysm and aortic dissection (TAAD). Also called: Thoracic aortic aneurysms and dissections. Identifiers: Orphanet 91387, MedGen C4707243, MONDO:0019625.

Submission:

Labcorp Genetics (formerly Invitae), Labcorp
Classification: Pathogenic for Marfan syndrome; Familial thoracic aortic aneurysm and aortic dissection. Last evaluated: 2021-10-06. Review status: criteria provided, single submitter. Criteria: Invitae Variant Classification Sherloc (09022015). Collection method: clinical testing. Allele origin: germline.
Comment: For these reasons, this variant has been classified as Pathogenic. This premature translational stop signal has been observed in individual(s) with clinical features of Marfan syndome (PMID: 27906200). This variant is not present in population databases (ExAC no frequency). This sequence change creates a premature translational stop signal (p.Asn1205Valfs*24) in the FBN1 gene. It is expected to result in an absent or disrupted protein product. Loss-of-function variants in FBN1 are known to be pathogenic (PMID: 17657824, 19293843).

Literature cited by the submitters: PubMed 27906200; PubMed 17657824; PubMed 19293843.

NM_000138.5(FBN1):c.3613_3616del (p.Asn1205fs)

Gene: FBN1 (fibrillin 1; minus strand). Cytogenetic location: 15q21.1.
Variant type: Microsatellite.
Coding change: c.3613_3616del on transcript NM_000138.5 (MANE Select); coding-DNA positions 3613 to 3616, 4 bases deleted (AATG; older notation c.3613_3616delAATG).
Protein change: p.Asn1205fs; shifts the reading frame from asparagine 1205.
Molecular consequence: frameshift variant.
Genome position (GRCh38, 1-based): chr15:48,485,470-48,485,473, CATT deleted on the plus strand (AATG on the coding strand, the reverse complement: FBN1 is on the minus strand); deleting any 4 consecutive bases within chr15:48,485,470-48,485,477 gives the same sequence; the c. name uses the placement nearest the transcript's 3' end. VCF-style (leftmost placement, unchanged base first): chr15-48485469-CCATT-C. GRCh37 (hg19) VCF-style: chr15-48777666-CCATT-C.
Other names: short protein forms N1205fs.
Identifiers: ClinVar variation 1453824 (VCV001453824.6), dbSNP rs2141291389, ClinGen allele CA2580612805.